The following is an entry in ClinVar:

ClinVar aggregate classification (germline): Uncertain significance (1 of 4 stars; one submission).

gnomAD v4.1: 6 of 1,554,254 alleles (0.00039%); highest among the groups gnomAD compares: Admixed American, 0.0075%; no homozygotes.

Submission:

Labcorp Genetics (formerly Invitae), Labcorp
Classification: Uncertain significance. Last evaluated: 2024-12-15. Review status: criteria provided, single submitter. Criteria: Invitae Variant Classification Sherloc (09022015). Collection method: clinical testing. Allele origin: germline.
Comment: This sequence change replaces arginine, which is basic and polar, with serine, which is neutral and polar, at codon 779 of the MYH14 protein (p.Arg779Ser). This variant is present in population databases (no rsID available, gnomAD 0.003%). This variant has not been reported in the literature in individuals affected with MYH14-related conditions. Invitae Evidence Modeling of protein sequence and biophysical properties (such as structural, functional, and spatial information, amino acid conservation, physicochemical variation, residue mobility, and thermodynamic stability) indicates that this missense variant is expected to disrupt MYH14 protein function with a positive predictive value of 80%. In summary, the available evidence is currently insufficient to determine the role of this variant in disease. Therefore, it has been classified as a Variant of Uncertain Significance.

NM_001145809.2(MYH14):c.2458C>A (p.Arg820Ser)

Gene: MYH14 (myosin heavy chain 14; plus strand). Cytogenetic location: 19q13.33.
Variant type: single nucleotide variant.
Coding change: c.2458C>A on transcript NM_001145809.2 (MANE Select); coding-DNA position 2458, C replaced by A.
Protein change: p.Arg820Ser; replaces arginine 820 with serine.
Molecular consequence: missense variant.
Genome position (GRCh38, 1-based): chr19:50,261,508, C>A. VCF-style: chr19-50261508-C-A. GRCh37 (hg19) VCF-style: chr19-50764765-C-A.
Other names: c.2359C>A, p.Arg787Ser (NM_001077186.2); c.2335C>A, p.Arg779Ser (NM_024729.4); short protein forms R787S, R779S, R820S.
Identifiers: ClinVar variation 3698892 (VCV003698892.2).
Genomic context (GRCh38, chr19:50,261,508, plus strand): 5'-TCATCACCCCTCTCCCACCCCTCACAGATCCAGGCGCTGGAACTGGACCCCAACCTCTAC[C>A]GCGTGGGACAGAGCAAGATCTTCTTCCGGGCTGGGGTCCTGGCCCAGCTGGAAGAGGAGC-3'
Protein context (NP_001139281.1, residues 810-830): QALELDPNLY[Arg820Ser]VGQSKIFFRA